The following is an entry in ClinVar:

NM_000059.4(BRCA2):c.3069C>A (p.Asn1023Lys)

Gene: BRCA2 (BRCA2 DNA repair associated; plus strand). Cytogenetic location: 13q13.1.
Variant type: single nucleotide variant.
Coding change: c.3069C>A on transcript NM_000059.4 (MANE Select); coding-DNA position 3069, C replaced by A.
Protein change: p.Asn1023Lys; replaces asparagine 1023 with lysine.
Molecular consequence: missense variant.
Genome position (GRCh38, 1-based): chr13:32,337,424, C>A. VCF-style: chr13-32337424-C-A. GRCh37 (hg19) VCF-style: chr13-32911561-C-A.
Other names: short protein forms N1023K.
Identifiers: ClinVar variation 409442 (VCV000409442.14), dbSNP rs759181823, ClinGen allele CA6940660.

ClinVar aggregate classification (germline): Conflicting classifications of pathogenicity. Review status: criteria provided, conflicting classifications (1 of 4 stars). 5 submissions from 5 submitters: Uncertain significance (3); Likely benign (1). 1 of the submissions does not count toward it. Last evaluated 2023-07-30.

Conditions:
Hereditary breast ovarian cancer syndrome. Also called: Hereditary breast and ovarian cancer syndrome; Hereditary breast and/or ovarian cancer syndrome; BRCA1- and BRCA2-Associated Hereditary Breast and Ovarian Cancer; Hereditary breast and ovarian cancer syndrome (HBOC); Hereditary breast and ovarian cancer; Breast and ovarian cancer. Identifiers: Orphanet 145, MedGen C0677776, MeSH D061325, MONDO:0003582. Disease mechanism: loss of function.
Breast-ovarian cancer, familial, susceptibility to, 2 (BROVCA2). Also called: BRCA2 Hereditary Breast and Ovarian Cancer. Identifiers: Orphanet 145, MedGen C2675520, MONDO:0012933, OMIM 612555. Disease mechanism: loss of function.
Hereditary cancer-predisposing syndrome. Also called: Hereditary neoplastic syndrome; Neoplastic Syndromes, Hereditary; Tumor predisposition; Hereditary Cancer Syndrome. Identifiers: Orphanet 140162, MedGen C0027672, MeSH D009386, MONDO:0015356.

Allele frequency attached by ClinVar (database versions not stated): ExAC 0.00001; gnomAD 0.00001; gnomAD exomes 0.00002.
gnomAD v4.1: 29 of 1,612,896 alleles (0.0018%); highest among the groups gnomAD compares: South Asian, 0.032%; 1 homozygote.

Submissions (5):

Labcorp Genetics (formerly Invitae), Labcorp
Classification: Uncertain significance for Hereditary breast ovarian cancer syndrome. Last evaluated: 2023-07-30. Review status: criteria provided, single submitter. Criteria: Invitae Variant Classification Sherloc (09022015). Collection method: clinical testing. Allele origin: germline.
Comment: Advanced modeling of protein sequence and biophysical properties (such as structural, functional, and spatial information, amino acid conservation, physicochemical variation, residue mobility, and thermodynamic stability) performed at Invitae indicates that this missense variant is not expected to disrupt BRCA2 protein function. In summary, the available evidence is currently insufficient to determine the role of this variant in disease. Therefore, it has been classified as a Variant of Uncertain Significance. ClinVar contains an entry for this variant (Variation ID: 409442). This variant has not been reported in the literature in individuals affected with BRCA2-related conditions. This variant is present in population databases (rs759181823, gnomAD 0.02%). This sequence change replaces asparagine, which is neutral and polar, with lysine, which is basic and polar, at codon 1023 of the BRCA2 protein (p.Asn1023Lys).

University of Washington Department of Laboratory Medicine, University of Washington
Classification: Likely benign for Hereditary cancer-predisposing syndrome. Last evaluated: 2023-03-23. Review status: criteria provided, single submitter. Criteria: Dines et al. (Genet Med. 2020). Collection method: curation. Allele origin: germline.
Comment: Missense variant in a coldspot region where missense variants are very unlikely to be pathogenic (PMID:31911673).

BRCA2 exon 11 coldspot. Reclassification based on statistical prior probability.

Ambry Genetics
Classification: Uncertain significance for Hereditary cancer-predisposing syndrome. Last evaluated: 2022-01-11. Review status: criteria provided, single submitter. Criteria: Ambry Variant Classification Scheme 2023. Collection method: clinical testing. Allele origin: germline.
Comment: The p.N1023K variant (also known as c.3069C>A), located in coding exon 10 of the BRCA2 gene, results from a C to A substitution at nucleotide position 3069. The asparagine at codon 1023 is replaced by lysine, an amino acid with similar properties. This amino acid position is not well conserved in available vertebrate species. In addition, this alteration is predicted to be tolerated by in silico analysis. Since supporting evidence is limited at this time, the clinical significance of this alteration remains unclear.

Color Diagnostics, LLC DBA Color Health
Classification: Uncertain significance for Hereditary cancer-predisposing syndrome. Last evaluated: 2019-01-08. Review status: criteria provided, single submitter. Criteria: ACMG Guidelines, 2015. Collection method: clinical testing. Allele origin: germline.

Counsyl
Classification: Uncertain significance for Breast-ovarian cancer, familial, susceptibility to, 2. Last evaluated: 2018-01-02. Review status: no assertion criteria provided. Collection method: clinical testing. Allele origin: unknown. Not counted in ClinVar's aggregate classification.